The following is an entry in ClinVar:

NM_001754.5(RUNX1):c.806-5T>C

Gene: RUNX1 (RUNX family transcription factor 1; minus strand). Cytogenetic location: 21q22.12.
Variant type: single nucleotide variant.
Coding change: c.806-5T>C on transcript NM_001754.5 (MANE Select); 5 bases into the intron before coding-DNA position 806, T replaced by C.
Molecular consequence: intron variant.
Genome position (GRCh38, 1-based): chr21:34,799,467, A>G on the plus strand (T>C on the coding strand, the complement: RUNX1 is on the minus strand). VCF-style: chr21-34799467-A-G. GRCh37 (hg19) VCF-style: chr21-36171764-A-G.
Other names: c.806-5T>C (NM_001754.4); c.725-5T>C (NM_001001890.3).
Identifiers: ClinVar variation 2019112 (VCV002019112.6), dbSNP rs2516864012, ClinGen allele CA2580098847.

ClinVar aggregate classification (germline): Likely benign. Review status: reviewed by expert panel (3 of 4 stars). 3 submissions from 3 submitters: Likely benign (1). 2 of the submissions do not count toward it. Last evaluated 2025-01-15.

Conditions:
Inborn genetic diseases. Identifiers: MedGen C0950123, MeSH D030342.
Hereditary thrombocytopenia and hematological cancer predisposition syndrome associated with RUNX1. Also called: Familial Platelet Disorder with Propensity to Acute Myelogenous Leukemia; Familial thrombocytopenia with propensity to acute myelogenous leukemia; PLATELET DISORDER, ASPIRIN-LIKE; RUNX1 Familial Platelet Disorder with Associated Myeloid Malignancies. Identifiers: Orphanet 71290, MedGen C1832388, MeSH C563324, MONDO:0100083, OMIM 601399.
Hereditary thrombocytopenia and hematologic cancer predisposition syndrome. Identifiers: Orphanet 71290, MedGen CN281654, MONDO:0011071.

Allele frequency attached by ClinVar (database versions not stated): gnomAD exomes below 0.00001.
gnomAD v4.1: 4 of 1,613,846 alleles (0.00025%); highest among the groups gnomAD compares: Non-Finnish European, 0.00034%; no homozygotes.

Submissions (3):

ClinGen Myeloid Malignancy Variant Curation Expert Panel
Classification: Likely benign for Hereditary thrombocytopenia and hematologic cancer predisposition syndrome. Last evaluated: 2025-01-15. Review status: reviewed by expert panel. Criteria: ClinGen MyeloMalig ACMG Specifications v2. Collection method: curation. Allele origin: germline. Inheritance: Autosomal dominant inheritance.
Comment: NM_001754.5(RUNX1):c.806-5T>C is an intronic variant which is completely absent from all population databases with at least 20x coverage for RUNX1 (PM2_Supporting). This variant has a SpliceAI score ≤ 0.20 (0.00) and evolutionary conservation algorithms predict the site as not being conserved (PhyloP score ≤ 2.0 (1.81) (BP7). Multiple lines of computational evidence suggest no impact on gene /gene product (SpliceAI score ≤ 0.20 (Δ score 0.00) (BP4). In summary, this variant meets the criteria to be classified as likely benign. ACMG/AMP criteria applied, as specified by the Myeloid Malignancy Variant Curation Expert Panel for RUNX1: BP4, BP7, PM2_supporting.

Ambry Genetics
Classification: Uncertain significance for Inborn genetic diseases. Last evaluated: 2026-08-11. Review status: criteria provided, single submitter. Criteria: Ambry Variant Classification Scheme 2023. Collection method: clinical testing. Allele origin: germline. Not counted in ClinVar's aggregate classification.
Comment: The c.806-5T>C intronic variant results from a T to C substitution 5 nucleotides upstream from coding exon 7 in the RUNX1 gene. This nucleotide position is well conserved in available vertebrate species. In silico splice site analysis predicts that this alteration will not have any significant effect on splicing. Based on the available evidence, the clinical significance of this variant remains unclear.

Labcorp Genetics (formerly Invitae), Labcorp
Classification: Likely benign for Hereditary thrombocytopenia and hematological cancer predisposition syndrome associated with RUNX1. Last evaluated: 2022-07-23. Review status: criteria provided, single submitter. Criteria: Invitae Variant Classification Sherloc (09022015). Collection method: clinical testing. Allele origin: germline. Not counted in ClinVar's aggregate classification.